The following is an entry in ClinVar:

NM_182961.4(SYNE1):c.21009G>A (p.Trp7003Ter)

Gene: SYNE1 (spectrin repeat containing nuclear envelope protein 1; minus strand). Cytogenetic location: 6q25.2.
Variant type: single nucleotide variant.
Coding change: c.21009G>A on transcript NM_182961.4 (MANE Select); coding-DNA position 21009, G replaced by A.
Protein change: p.Trp7003Ter; replaces tryptophan 7003 with a stop codon.
Molecular consequence: nonsense.
Genome position (GRCh38, 1-based): chr6:152,231,421, C>T on the plus strand (G>A on the coding strand, the complement: SYNE1 is on the minus strand). VCF-style: chr6-152231421-C-T. GRCh37 (hg19) VCF-style: chr6-152552556-C-T.
Other names: c.20796G>A, p.Trp6932Ter (NM_033071.5); short protein forms W6932*, W7003*.
Identifiers: ClinVar variation 2637505 (VCV002637505.1), dbSNP rs1435803196, ClinGen allele CA366114395.

ClinVar aggregate classification (germline): Pathogenic (1 of 4 stars; one submission).

Conditions:
SYNE1-related disorder. Also called: SYNE1-related disease; SYNE1-related condition; SYNE1-related disorders.

Allele frequency attached by ClinVar (database versions not stated): gnomAD 0.00001; TOPMed 0.00001.
gnomAD v4.1: 1 of 1,613,970 alleles (0.000062%); highest among the groups gnomAD compares: East Asian, 0.0022%; no homozygotes.

Submission:

Women's Health and Genetics/Laboratory Corporation of America, LabCorp
Classification: Pathogenic for SYNE1-Related Disorders. Last evaluated: 2023-10-26. Review status: criteria provided, single submitter. Criteria: LabCorp Variant Classification Summary - May 2015. Collection method: clinical testing. Allele origin: germline.
Comment: Variant summary: SYNE1 c.20796G>A (p.Trp6932X) results in a premature termination codon, predicted to cause absence of the protein due to nonsense mediated decay, which is a commonly known mechanism for disease. The variant was absent in 251420 control chromosomes. To our knowledge, no occurrence of c.20796G>A in individuals affected with SYNE1-Related Disorders and no experimental evidence demonstrating its impact on protein function have been reported. No submitters have cited clinical-significance assessments for this variant to ClinVar after 2014. Based on the evidence outlined above, the variant was classified as pathogenic.